The following is an entry in ClinVar:

ClinVar aggregate classification (germline): Uncertain significance. Review status: criteria provided, multiple submitters, no conflicts (2 of 4 stars). 3 submissions from 3 submitters: Uncertain significance (3). Last evaluated 2024-10-09.

Conditions:
Familial dysautonomia. Also called: FD; HSAN III. Identifiers: Orphanet 1764, MedGen C0013364, MONDO:0009131, OMIM 223900. Disease mechanism: loss of function.
Medulloblastoma (MDB). Also called: MEDULLOBLASTOMA PREDISPOSITION SYNDROME; Medulloblastoma, somatic. Identifiers: Orphanet 616, MedGen C0025149, MeSH D008527, MONDO:0007959, OMIM 155255, HP:0002885.

Allele frequency attached by ClinVar (database versions not stated): gnomAD exomes 0.00001; ExAC 0.00002; gnomAD 0.00007; ESP Exome Variant Server 0.00008; TOPMed 0.00008.

Submissions (3):

GeneDx
Classification: Uncertain significance. Last evaluated: 2024-10-09. Review status: criteria provided, single submitter. Criteria: GeneDx Variant Classification Process June 2021. Collection method: clinical testing. Allele origin: germline. Affected: yes.
Comment: In silico analysis indicates that this missense variant does not alter protein structure/function; Has not been previously published as pathogenic or benign to our knowledge

Fulgent Genetics
Classification: Uncertain significance for Medulloblastoma; Familial dysautonomia. Last evaluated: 2024-05-10. Review status: criteria provided, single submitter. Criteria: ACMG Guidelines, 2015. Collection method: clinical testing. Allele origin: germline.

Ambry Genetics
Classification: Uncertain significance. Last evaluated: 2023-04-11. Review status: criteria provided, single submitter. Criteria: Ambry Variant Classification Scheme 2023. Collection method: clinical testing. Allele origin: germline.

NM_003640.5(ELP1):c.1655C>T (p.Ala552Val)

Gene: ELP1 (elongator acetyltransferase complex subunit 1; minus strand). Cytogenetic location: 9q31.3.
Variant type: single nucleotide variant.
Coding change: c.1655C>T on transcript NM_003640.5 (MANE Select); coding-DNA position 1655, C replaced by T.
Protein change: p.Ala552Val; replaces alanine 552 with valine.
Molecular consequence: missense variant.
Genome position (GRCh38, 1-based): chr9:108,903,658, G>A on the plus strand (C>T on the coding strand, the complement: ELP1 is on the minus strand). VCF-style: chr9-108903658-G-A. GRCh37 (hg19) VCF-style: chr9-111665938-G-A.
Other names: c.1313C>T, p.Ala438Val (NM_001318360.2); c.608C>T, p.Ala203Val (NM_001330749.2); short protein forms A203V, A438V, A552V.
Identifiers: ClinVar variation 1799626 (VCV001799626.4), dbSNP rs139891858, ClinGen allele CA5174936.
Genomic context (GRCh38, chr9:108,903,658, plus strand): 5'-TGTAATACTACTGACTTGGTCTTGGAATTGCAACATAGACTGATTATGACCCCATCCACC[G>A]CTGCAGATGAACTGACAAAAAAAAGGAGAAGGGAGTGTAAACAGACCATTTTTCTCAAAA-3'
Protein context (NP_003631.2, residues 542-562): HGQLNVSSSA[Ala552Val]VDGVIISLCC